The following is an entry in ClinVar:

NM_000548.5(TSC2):c.3555C>T (p.Ala1185=)

Gene: TSC2 (TSC complex subunit 2; plus strand). Cytogenetic location: 16p13.3.
Variant type: single nucleotide variant.
Coding change: c.3555C>T on transcript NM_000548.5 (MANE Select); coding-DNA position 3555, C replaced by T.
Protein change: p.Ala1185=; no amino-acid change (alanine 1185 retained).
Molecular consequence: synonymous variant.
Genome position (GRCh38, 1-based): chr16:2,080,322, C>T. VCF-style: chr16-2080322-C-T. GRCh37 (hg19) VCF-style: chr16-2130323-C-T.
Other names: c.3423C>T, p.Ala1141= (NM_001077183.3, NM_001370404.1); c.3555C>T, p.Ala1185= (NM_001114382.3); c.3315C>T, p.Ala1105= (NM_001318827.2); c.3279C>T, p.Ala1093= (NM_001318829.2); c.2823C>T, p.Ala941= (NM_001318831.2); c.3456C>T, p.Ala1152= (NM_001318832.2); c.3426C>T, p.Ala1142= (NM_001363528.2, NM_001370405.1, NM_021055.3).
Identifiers: ClinVar variation 413708 (VCV000413708.30), dbSNP rs745762286, ClinGen allele CA047439.
Genomic context (GRCh38, chr16:2,080,322, plus strand): 5'-ACCTGAGAAGGCCTCAGCTGGCACCCGGGTTCCTGTGCAGGAGAAGACGAACCTGGCGGC[C>T]TATGTGCCCCTGCTGACCCAGGGCTGGGCGGAGATCCTGGTCCGGAGGCCCACAGGTACT-3'
Protein context (NP_000539.2, residues 1175-1195): VPVQEKTNLA[Ala1185=]YVPLLTQGWA

ClinVar aggregate classification (germline): Benign/Likely benign. Review status: criteria provided, multiple submitters, no conflicts (2 of 4 stars). 8 submissions from 8 submitters: Benign (3); Likely benign (5). Last evaluated 2026-06-01.

Conditions:
Hereditary cancer-predisposing syndrome. Also called: Tumor predisposition; Hereditary neoplastic syndrome; Hereditary Cancer Syndrome; Neoplastic Syndromes, Hereditary. Identifiers: Orphanet 140162, MedGen C0027672, MeSH D009386, MONDO:0015356.
Tuberous sclerosis syndrome (TSC). Also called: Tuberous Sclerosis Complex; Tuberous sclerosis. Identifiers: Orphanet 805, MedGen C0041341, MONDO:0001734.
Tuberous sclerosis 2 (TSC2). Identifiers: Orphanet 805, MedGen C1860707, MONDO:0013199, OMIM 613254.

Allele frequency attached by ClinVar (database versions not stated): gnomAD 0.00001; ExAC 0.00003; TOPMed 0.00003; gnomAD exomes 0.00004.
gnomAD v4.1: 64 of 1,612,648 alleles (0.004%); highest among the groups gnomAD compares: Non-Finnish European, 0.0052%; no homozygotes.

Submissions (8):

CeGaT Center for Human Genetics Tuebingen
Classification: Likely benign. Last evaluated: 2026-06-01. Review status: criteria provided, single submitter. Criteria: CeGaT Center For Human Genetics Tuebingen Variant Classification Criteria Version 2. Collection method: clinical testing. Allele origin: germline. Affected: yes. Observed: 2 variant alleles.
Comment: TSC2: BP4, BP7

Labcorp Genetics (formerly Invitae), Labcorp
Classification: Benign for Tuberous sclerosis 2. Last evaluated: 2026-01-31. Review status: criteria provided, single submitter. Criteria: Invitae Variant Classification Sherloc (09022015). Collection method: clinical testing. Allele origin: germline.

Myriad Genetics, Inc.
Classification: Benign for Tuberous sclerosis 2. Last evaluated: 2025-05-29. Review status: criteria provided, single submitter. Criteria: Myriad Autosomal Dominant, Autosomal Recessive and X-Linked Classification Criteria (2023). Collection method: clinical testing. Allele origin: unknown.
Comment: This variant is considered benign. This variant is a silent/synonymous amino acid change and it is not expected to impact splicing.

All of Us Research Program, National Institutes of Health
Classification: Likely benign for Tuberous sclerosis syndrome. Last evaluated: 2024-08-30. Review status: criteria provided, single submitter. Criteria: ACMG Guidelines, 2015. Collection method: clinical testing. Allele origin: germline. Inheritance: Autosomal dominant inheritance. Observed: 8 variant alleles, 8 heterozygotes.
Comment: This study involves interpretation of variants in research participants for the purpose of population health screening. Participant phenotype was not available at the time of variant classification. Additional details can be found in publication PMID: 35346344, PMCID: PMC8962531

Color Diagnostics, LLC DBA Color Health
Classification: Likely benign for Tuberous sclerosis syndrome. Last evaluated: 2022-10-02. Review status: criteria provided, single submitter. Criteria: ACMG Guidelines, 2015. Collection method: clinical testing. Allele origin: germline.

Genome-Nilou Lab
Classification: Benign for Tuberous sclerosis 2. Last evaluated: 2021-11-07. Review status: criteria provided, single submitter. Criteria: ACMG Guidelines, 2015. Collection method: clinical testing. Allele origin: germline. Affected: no.

Sema4
Classification: Likely benign for Hereditary cancer-predisposing syndrome. Last evaluated: 2020-12-08. Review status: criteria provided, single submitter. Criteria: Sema4 Curation Guidelines. Collection method: curation. Allele origin: germline.

Ambry Genetics
Classification: Likely benign for Hereditary cancer-predisposing syndrome. Last evaluated: 2019-06-24. Review status: criteria provided, single submitter. Criteria: Ambry Variant Classification Scheme 2023. Collection method: clinical testing. Allele origin: germline.